The following is an entry in ClinVar:

ClinVar aggregate classification (germline): Likely pathogenic. Review status: criteria provided, single submitter (1 of 4 stars). 2 submissions from 2 submitters: Likely pathogenic (1). 1 of the submissions does not count toward it.

Conditions:
Dermatitis, atopic, 2. Identifiers: MedGen C1853965, MONDO:0011596, OMIM 605803.
Ichthyosis vulgaris. Also called: ICHTHYOSIS SIMPLEX; Dominant ichthyosis vulgaris. Identifiers: MedGen C0079584, MONDO:0024304, OMIM 146700.

Allele frequency attached by ClinVar (database versions not stated): gnomAD exomes below 0.00001; TOPMed below 0.00001.
gnomAD v4.1: 1 of 1,612,134 alleles (0.000062%); highest among the groups gnomAD compares: East Asian, 0.0022%; no homozygotes.

Submissions (2):

Juno Genomics, Hangzhou Juno Genomics, Inc
Classification: Likely pathogenic for Dermatitis, atopic, 2; Ichthyosis vulgaris. Review status: criteria provided, single submitter. Criteria: ACMG Guidelines, 2015. Collection method: clinical testing. Allele origin: germline.
Comment: Absent from controls (or at extremely low frequency if recessive) in Genome Aggregation Database.;Null variant in a gene where loss of function (LOF) is a known mechanism of disease.;For recessive disorders, detected in trans with a pathogenic variant.;Patient's phenotype or family history is highly specific for a disease with a single genetic etiology.;Co-segregation with disease in multiple affected family members.

University of Washington Center for Mendelian Genomics, University of Washington
Classification: Likely pathogenic for ichthyosis vulgaris. Review status: no assertion criteria provided. Collection method: research. Allele origin: inherited. Affected: yes. Not counted in ClinVar's aggregate classification.

Literature cited by the submitters: PubMed 29130490 (cited by University of Washington Center for Mendelian Genomics, University of Washington).

NM_002016.2(FLG):c.10459A>T (p.Arg3487Ter)

Genes: CCDST (cervical cancer associated DHX9 suppressive transcript; plus strand), FLG (filaggrin; minus strand). Cytogenetic location: 1q21.3.
Variant type: single nucleotide variant.
Coding change: c.10459A>T on transcript NM_002016.2 (MANE Select); coding-DNA position 10459, A replaced by T.
Protein change: p.Arg3487Ter; replaces arginine 3487 with a stop codon.
Molecular consequence: nonsense.
Genome position (GRCh38, 1-based): chr1:152,304,427, T>A on the plus strand (A>T on the coding strand, the complement: FLG is on the minus strand). VCF-style: chr1-152304427-T-A. GRCh37 (hg19) VCF-style: chr1-152276903-T-A.
Other names: short protein forms R3487*.
Identifiers: ClinVar variation 996656 (VCV000996656.3), dbSNP rs1396693199, ClinGen allele CA342069752.
Genomic context (GRCh38, chr1:152,304,427, plus strand): 5'-GGTGATGCGACCATGAGTGCCTGGAGCCATCTCCTGATTGTTCGTCATTACGAGTTTGTC[T>A]GCTGGCACTTCTGGATCCTGACTGCCCACGGGAGGCATCAGACCTTCCCTGGGATGTGGT-3'